The following is an entry in ClinVar:

NM_001378120.1(MBD5):c.3837C>T (p.Asn1279=)

Gene: MBD5 (methyl-CpG binding domain protein 5; plus strand). Cytogenetic location: 2q23.1.
Variant type: single nucleotide variant.
Coding change: c.3837C>T on transcript NM_001378120.1 (MANE Select); coding-DNA position 3837, C replaced by T.
Protein change: p.Asn1279=; no amino-acid change (asparagine 1279 retained).
Molecular consequence: synonymous variant.
Genome position (GRCh38, 1-based): chr2:148,489,469, C>T. VCF-style: chr2-148489469-C-T. GRCh37 (hg19) VCF-style: chr2-149247038-C-T.
Other names: c.3138C>T, p.Asn1046= (NM_018328.5).
Identifiers: ClinVar variation 384270 (VCV000384270.13), dbSNP rs772658882, ClinGen allele CA1900341.

ClinVar aggregate classification (germline): Likely benign. Review status: criteria provided, multiple submitters, no conflicts (2 of 4 stars). 3 submissions from 3 submitters: Likely benign (3). Last evaluated 2021-06-13.

Conditions:
Inborn genetic diseases. Identifiers: MedGen C0950123, MeSH D030342.
Intellectual developmental disorder, autosomal dominant 1. Also called: MBD5 Haploinsufficiency; Intellectual disability, autosomal dominant 1. Identifiers: Orphanet 228402, MedGen C1969562, MONDO:0007974, OMIM 156200.

Allele frequency attached by ClinVar (database versions not stated): gnomAD exomes below 0.00001; ExAC 0.00001.
gnomAD v4.1: 2 of 1,614,170 alleles (0.00012%); highest among the groups gnomAD compares: Non-Finnish European, 0.00017%; no homozygotes.

Submissions (3):

Labcorp Genetics (formerly Invitae), Labcorp
Classification: Likely benign for Intellectual developmental disorder, autosomal dominant 1. Last evaluated: 2021-06-13. Review status: criteria provided, single submitter. Criteria: Invitae Variant Classification Sherloc (09022015). Collection method: clinical testing. Allele origin: germline.

GeneDx
Classification: Likely benign. Last evaluated: 2017-06-30. Review status: criteria provided, single submitter. Criteria: GeneDx Variant Classification (06012015). Collection method: clinical testing. Allele origin: germline. Affected: yes.
Comment: This variant is considered likely benign or benign based on one or more of the following criteria: it is a conservative change, it occurs at a poorly conserved position in the protein, it is predicted to be benign by multiple in silico algorithms, and/or has population frequency not consistent with disease.

Ambry Genetics
Classification: Likely benign for Inborn genetic diseases. Last evaluated: 2016-08-18. Review status: criteria provided, single submitter. Criteria: Ambry Variant Classification Scheme 2023. Collection method: clinical testing. Allele origin: germline.